The following is an entry in ClinVar:

ClinVar aggregate classification (germline): Uncertain significance (1 of 4 stars; one submission).

Conditions:
Hereditary pheochromocytoma and paraganglioma. Also called: Hereditary Paraganglioma-Pheochromocytoma Syndromes; Hereditary paragangliomas and pheochromocytomas; Hereditary pheochromocytoma-paraganglioma. Identifiers: Orphanet 29072, MedGen C4274332, MONDO:0017366.

Submission:

Color Diagnostics, LLC DBA Color Health
Classification: Uncertain significance for Hereditary pheochromocytoma and paraganglioma. Last evaluated: 2025-07-07. Review status: criteria provided, single submitter. Criteria: ACMG Guidelines, 2015. Collection method: clinical testing. Allele origin: germline.
Comment: This missense variant replaces serine with isoleucine at codon 79 of the SDHC protein. Computational prediction suggests that this variant may have deleterious impact on protein structure and function. To our knowledge, functional studies have not been reported for this variant. This variant has not been reported in individuals affected with SDHC-related disorders in the literature. This variant has not been identified in the general population by the Genome Aggregation Database (gnomAD). The available evidence is insufficient to determine the role of this variant in disease conclusively. Therefore, this variant is classified as a Variant of Uncertain Significance.

NM_003001.5(SDHC):c.236G>T (p.Ser79Ile)

Gene: SDHC (succinate dehydrogenase complex subunit C; plus strand). Cytogenetic location: 1q23.3.
Variant type: single nucleotide variant.
Coding change: c.236G>T on transcript NM_003001.5 (MANE Select); coding-DNA position 236, G replaced by T.
Protein change: p.Ser79Ile; replaces serine 79 with isoleucine.
Molecular consequence: missense variant. On other transcripts: non-coding transcript variant (1), splice donor variant (2).
Genome position (GRCh38, 1-based): chr1:161,340,650, G>T. VCF-style: chr1-161340650-G-T. GRCh37 (hg19) VCF-style: chr1-161310440-G-T.
Other names: c.236G>T, p.Ser79Ile (NM_001035511.3); c.134G>T, p.Ser45Ile (NM_001035512.3, NM_001278172.3); c.77G>T, p.Ser26Ile (NM_001035513.3); c.356G>T, p.Ser119Ile (NM_001407115.1); c.179G>T, p.Ser60Ile (NM_001407116.1, NM_001407121.1); c.125G>T, p.Ser42Ile (NM_001407119.1, NM_001407120.1); c.133+1G>T (NM_001407118.1); c.178+1G>T (NM_001407117.1); short protein forms S119I, S26I, S42I, S45I, S60I, S79I.
Identifiers: ClinVar variation 4757537 (VCV004757537.1).
Genomic context (GRCh38, chr1:161,340,650, plus strand): 5'-ACAGTTGGTCTCTTCCCATGGCGATGTCCATCTGCCACCGTGGCACTGGTATTGCTTTGA[G>T]TGCAGGTATGTATATGTGTTTTTACACACACATATGTGCTTCTTTGAAAAACTTGGCTGT-3'
Protein context (NP_002992.1, residues 69-89): ICHRGTGIAL[Ser79Ile]AGVSLFGMSA